The following is an entry in ClinVar:

NM_001267550.2(TTN):c.21817T>C (p.Ser7273Pro)

Gene: TTN (titin; minus strand). Cytogenetic location: 2q31.2.
Variant type: single nucleotide variant.
Coding change: c.21817T>C on transcript NM_001267550.2 (MANE Select); coding-DNA position 21817, T replaced by C.
Protein change: p.Ser7273Pro; replaces serine 7273 with proline.
Molecular consequence: missense variant. On other transcripts: intron variant (3).
Genome position (GRCh38, 1-based): chr2:178,723,190, A>G on the plus strand (T>C on the coding strand, the complement: TTN is on the minus strand). VCF-style: chr2-178723190-A-G. GRCh37 (hg19) VCF-style: chr2-179587917-A-G.
Other names: p.S6956P:TCT>CCT; c.20866T>C, p.Ser6956Pro (NM_001256850.1); c.18085T>C, p.Ser6029Pro (NM_133378.4); c.13282+14892T>C (NM_003319.4); c.13858+14892T>C (NM_133437.4); c.13657+14892T>C (NM_133432.3); short protein forms S6956P, S7273P, S6029P.
Identifiers: ClinVar variation 203303 (VCV000203303.2), dbSNP rs794729624, ClinGen allele CA311977.
Genomic context (GRCh38, chr2:178,723,190, plus strand): 5'-TGCTATTCAGAATTTCCAGGATACAAGTTTTCTCTGTTGTGACTATGTTACATTTTTCAG[A>G]GGTAGTTATGTTAAAACCATCCTTTTTCCAAGTGACAGAAATTGGAAGTGTTCCAGTGTA-3'
Protein context (NP_001254479.2, residues 7263-7283): WKKDGFNITT[Ser7273Pro]EKCNIVTTEK

ClinVar aggregate classification (germline): Uncertain significance (1 of 4 stars; one submission).

Submission:

GeneDx
Classification: Uncertain significance. Last evaluated: 2014-08-29. Review status: criteria provided, single submitter. Criteria: GeneDx Variant Classification (06012015). Collection method: clinical testing. Allele origin: germline. Affected: yes.
Comment: Missense variants in the TTN gene are considered 'unclassified' if they are not previously reported in the literature and do not have >1% frequency in the population to be considered a polymorphism. Research indicates that truncating mutations in the TTN gene are expected to account for approximately 25% of familial and 18% of sporadic idiopathic DCM; however, truncating variants in the TTN gene have been reported in approximately 3% of reported control alleles. There has been little investigation into non-truncating variants. (Herman D et al. Truncations of titin causing dilated cardiomyopathy. N Eng J Med 366:619-628, 2012) The variant is found in DCM-CRDM panel(s).